The following is an entry in ClinVar:

ClinVar aggregate classification (germline): Benign/Likely benign. Review status: criteria provided, multiple submitters, no conflicts (2 of 4 stars). 4 submissions from 4 submitters: Benign (1); Likely benign (3). Last evaluated 2024-08-21.

Conditions:
Hereditary cancer-predisposing syndrome. Also called: Hereditary neoplastic syndrome; Tumor predisposition; Neoplastic Syndromes, Hereditary; Hereditary Cancer Syndrome. Identifiers: Orphanet 140162, MedGen C0027672, MeSH D009386, MONDO:0015356.
Fanconi anemia complementation group J. Also called: BRIP1-Related Fanconi Anemia. Identifiers: Orphanet 84, MedGen C1836860, MONDO:0012187, OMIM 609054.
Familial cancer of breast. Also called: Hereditary breast cancer; hereditary breast carcinoma; BREAST CANCER, FAMILIAL. Identifiers: Orphanet 227535, MedGen C0346153, MONDO:0016419, OMIM 114480. Disease mechanism: loss of function.

Allele frequency attached by ClinVar (database versions not stated): gnomAD exomes below 0.00001 and 0.00001; TOPMed below 0.00001; ExAC 0.00001.
gnomAD v4.1: 1 of 1,613,164 alleles (0.000062%); highest among the groups gnomAD compares: Admixed American, 0.0017%; no homozygotes.

Submissions (4):

Myriad Genetics, Inc.
Classification: Benign for Familial cancer of breast. Last evaluated: 2024-08-21. Review status: criteria provided, single submitter. Criteria: Myriad Autosomal Dominant, Autosomal Recessive and X-Linked Classification Criteria (2023). Collection method: clinical testing. Allele origin: unknown.
Comment: This variant is considered benign. This variant is a silent/synonymous amino acid change and it is not expected to impact splicing.

Labcorp Genetics (formerly Invitae), Labcorp
Classification: Likely benign for Familial cancer of breast; Fanconi anemia complementation group J. Last evaluated: 2023-10-29. Review status: criteria provided, single submitter. Criteria: Invitae Variant Classification Sherloc (09022015). Collection method: clinical testing. Allele origin: germline.

CeGaT Center for Human Genetics Tuebingen
Classification: Likely benign. Last evaluated: 2023-08-01. Review status: criteria provided, single submitter. Criteria: CeGaT Center For Human Genetics Tuebingen Variant Classification Criteria Version 2. Collection method: clinical testing. Allele origin: germline. Affected: yes. Observed: 1 variant allele.
Comment: BRIP1: BP4, BP7

Ambry Genetics
Classification: Likely benign for Hereditary cancer-predisposing syndrome. Last evaluated: 2016-05-16. Review status: criteria provided, single submitter. Criteria: Ambry Variant Classification Scheme 2023. Collection method: clinical testing. Allele origin: germline.

NM_032043.3(BRIP1):c.426A>G (p.Lys142=)

Gene: BRIP1 (BRCA1 interacting DNA helicase 1; minus strand). Cytogenetic location: 17q23.2.
Variant type: single nucleotide variant.
Coding change: c.426A>G on transcript NM_032043.3 (MANE Select); coding-DNA position 426, A replaced by G.
Protein change: p.Lys142=; no amino-acid change (lysine 142 retained).
Molecular consequence: synonymous variant.
Genome position (GRCh38, 1-based): chr17:61,849,210, T>C on the plus strand (A>G on the coding strand, the complement: BRIP1 is on the minus strand). VCF-style: chr17-61849210-T-C. GRCh37 (hg19) VCF-style: chr17-59926571-T-C.
Identifiers: ClinVar variation 481644 (VCV000481644.42), dbSNP rs768008017, ClinGen allele CA8690934.